The following is an entry in ClinVar:

NM_000169.3(GLA):c.605G>T (p.Cys202Phe)

Genes: GLA (galactosidase alpha; minus strand), RPL36A-HNRNPH2 (RPL36A-HNRNPH2 readthrough; plus strand). Cytogenetic location: Xq22.1.
Variant type: single nucleotide variant.
Coding change: c.605G>T on transcript NM_000169.3 (MANE Select); coding-DNA position 605, G replaced by T.
Protein change: p.Cys202Phe; replaces cysteine 202 with phenylalanine.
Molecular consequence: missense variant. On other transcripts: non-coding transcript variant (2), intron variant (2).
Genome position (GRCh38, 1-based): chrX:101,400,700, C>A on the plus strand (G>T on the coding strand, the complement: GLA is on the minus strand). VCF-style: chrX-101400700-C-A. GRCh37 (hg19) VCF-style: chrX-100655688-C-A.
Other names: c.728G>T, p.Cys243Phe (NM_001406747.1); c.605G>T, p.Cys202Phe (NM_001406748.1); c.300+5243C>A (NM_001199973.2); c.177+8878C>A (NM_001199974.2); short protein forms C202F, C243F.
Identifiers: ClinVar variation 4087428 (VCV004087428.2).

ClinVar aggregate classification (germline): Uncertain significance (1 of 4 stars; one submission).

Conditions:
Fabry disease. Also called: ALPHA-GALACTOSIDASE A DEFICIENCY; ANDERSON-FABRY DISEASE; CERAMIDE TRIHEXOSIDASE DEFICIENCY; GLA DEFICIENCY; HEREDITARY DYSTOPIC LIPIDOSIS; Angiokeratoma corporis diffusum. Identifiers: Orphanet 324, MedGen C0002986, MONDO:0010526, OMIM 301500, HP:0001071. Disease mechanism: Fabry disease is due to inactivating mutations in the X-linked GLA gene resulting in deficiency of the enzyme Alpha Galactosidase-A., loss of function.

Submission:

Genomenon, Inc
Classification: Uncertain significance for Fabry disease. Last evaluated: 2026-09-08. Review status: criteria provided, single submitter. Criteria: Genomenon Sequence Variant Interpretation Standards - Updated. Collection method: curation. Allele origin: germline. Affected: no.
Comment: GLA p.Cys202Phe (c.605G>T) is a missense variant that changes the amino acid at codon 202 from Cysteine to Phenylalanine. This variant has been reported in the published literature (PMID:33016649;31956509). This variant is located in a mutational hotspot and/or important functional domain. It is absent or not present at a significant frequency in gnomAD. In silico models predict that this variant is possibly or probably damaging. In conclusion, we classify GLA p.Cys202Phe (c.605G>T) as a variant of uncertain significance.

Literature cited by the submitters: PubMed 33016649; PubMed 31956509.